The following is an entry in ClinVar:

ClinVar aggregate classification (germline): Uncertain significance (1 of 4 stars; one submission).

Conditions:
Catecholaminergic polymorphic ventricular tachycardia 1. Also called: VENTRICULAR TACHYCARDIA, STRESS-INDUCED POLYMORPHIC 1; RYR2-Related Catecholaminergic Polymorphic Ventricular Tachycardia; VENTRICULAR TACHYCARDIA, CATECHOLAMINERGIC POLYMORPHIC, 1, WITH OR WITHOUT ATRIAL DYSFUNCTION AND/OR DILATED CARDIOMYOPATHY. Identifiers: Orphanet 3286, MedGen C1631597, MONDO:0011484, OMIM 604772.

Allele frequency attached by ClinVar (database versions not stated): gnomAD exomes below 0.00001.
gnomAD v4.1: 4 of 1,255,492 alleles (0.00032%); highest among the groups gnomAD compares: Non-Finnish European, 0.00033%; no homozygotes.

Submission:

Labcorp Genetics (formerly Invitae), Labcorp
Classification: Uncertain significance for Catecholaminergic polymorphic ventricular tachycardia 1. Last evaluated: 2022-07-01. Review status: criteria provided, single submitter. Criteria: Invitae Variant Classification Sherloc (09022015). Collection method: clinical testing. Allele origin: germline.
Comment: This variant is not present in population databases (gnomAD no frequency). In summary, the available evidence is currently insufficient to determine the role of this variant in disease. Therefore, it has been classified as a Variant of Uncertain Significance. Algorithms developed to predict the effect of sequence changes on RNA splicing suggest that this variant may disrupt the consensus splice site. This variant has not been reported in the literature in individuals affected with TRDN-related conditions. This sequence change falls in intron 36 of the TRDN gene. It does not directly change the encoded amino acid sequence of the TRDN protein.

NM_006073.4(TRDN):c.1907-6T>G

Gene: TRDN (triadin; minus strand). Cytogenetic location: 6q22.31.
Variant type: single nucleotide variant.
Coding change: c.1907-6T>G on transcript NM_006073.4 (MANE Select); 6 bases into the intron before coding-DNA position 1907, T replaced by G.
Molecular consequence: intron variant.
Genome position (GRCh38, 1-based): chr6:123,255,131, A>C on the plus strand (T>G on the coding strand, the complement: TRDN is on the minus strand). VCF-style: chr6-123255131-A-C. GRCh37 (hg19) VCF-style: chr6-123576276-A-C.
Identifiers: ClinVar variation 2167775 (VCV002167775.2), dbSNP rs2533510971, ClinGen allele CA2580074833.